The following is an entry in ClinVar:

NM_004329.3(BMPR1A):c.334-4T>A

Gene: BMPR1A (bone morphogenetic protein receptor type 1A; plus strand). Cytogenetic location: 10q23.2.
Variant type: single nucleotide variant.
Coding change: c.334-4T>A on transcript NM_004329.3 (MANE Select); 4 bases into the intron before coding-DNA position 334, T replaced by A.
Molecular consequence: intron variant.
Genome position (GRCh38, 1-based): chr10:86,899,790, T>A. VCF-style: chr10-86899790-T-A. GRCh37 (hg19) VCF-style: chr10-88659547-T-A.
Identifiers: ClinVar variation 1730446 (VCV001730446.2), dbSNP rs1060504904, ClinGen allele CA2580082099.
Genomic context (GRCh38, chr10:86,899,790, plus strand): 5'-CTAAAAAGACATATCAGTTTAAAATACCAAACCATTTCTAATTTTATCATTACTCTTCTT[T>A]TAGGATTCTCCAAAAGCCCAGCTACGCCGGACAATAGAATGTTGTCGGACCAATTTATGT-3'

ClinVar aggregate classification (germline): Uncertain significance (1 of 4 stars; one submission).

Conditions:
Hereditary cancer-predisposing syndrome. Also called: Neoplastic Syndromes, Hereditary; Tumor predisposition; Hereditary Cancer Syndrome; Hereditary neoplastic syndrome. Identifiers: Orphanet 140162, MedGen C0027672, MeSH D009386, MONDO:0015356.

Submission:

Ambry Genetics
Classification: Uncertain significance for Hereditary cancer-predisposing syndrome. Last evaluated: 2021-07-06. Review status: criteria provided, single submitter. Criteria: Ambry Variant Classification Scheme 2023. Collection method: clinical testing. Allele origin: germline.
Comment: The c.334-4T>A intronic variant results from a T to A substitution 4 nucleotides upstream from coding exon 4 in the BMPR1A gene. This nucleotide position is not well conserved in available vertebrate species. In silico splice site analysis predicts that this alteration will not have any significant effect on splicing. Since supporting evidence is limited at this time, the clinical significance of this alteration remains unclear.